The following is an entry in ClinVar:

ClinVar aggregate classification (germline): Uncertain significance (1 of 4 stars; one submission).

Submission:

Labcorp Genetics (formerly Invitae), Labcorp
Classification: Uncertain significance. Last evaluated: 2022-08-23. Review status: criteria provided, single submitter. Criteria: Invitae Variant Classification Sherloc (09022015). Collection method: clinical testing. Allele origin: germline.
Comment: This sequence change replaces valine, which is neutral and non-polar, with leucine, which is neutral and non-polar, at codon 139 of the RALA protein (p.Val139Leu). This variant is present in population databases (no rsID available, gnomAD 0.0009%). This variant has not been reported in the literature in individuals affected with RALA-related conditions. Advanced modeling of protein sequence and biophysical properties (such as structural, functional, and spatial information, amino acid conservation, physicochemical variation, residue mobility, and thermodynamic stability) performed at Invitae indicates that this missense variant is not expected to disrupt RALA protein function. In summary, the available evidence is currently insufficient to determine the role of this variant in disease. Therefore, it has been classified as a Variant of Uncertain Significance.

NM_005402.4(RALA):c.415G>C (p.Val139Leu)

Gene: RALA (RAS like proto-oncogene A; plus strand). Cytogenetic location: 7p14.1.
Variant type: single nucleotide variant.
Coding change: c.415G>C on transcript NM_005402.4 (MANE Select); coding-DNA position 415, G replaced by C.
Protein change: p.Val139Leu; replaces valine 139 with leucine.
Molecular consequence: missense variant.
Genome position (GRCh38, 1-based): chr7:39,696,776, G>C. VCF-style: chr7-39696776-G-C. GRCh37 (hg19) VCF-style: chr7-39736375-G-C.
Other names: short protein forms V139L.
Identifiers: ClinVar variation 2048694 (VCV002048694.4), dbSNP rs905148563, ClinGen allele CA367306413.